The following is an entry in ClinVar:

NC_000003.11:g.(?_53145826)_(53157876_?)dup

Gene: RFT1 (RFT1 glycolipid translocator homolog; minus strand). Cytogenetic location: 3p21.1.
Variant type: Duplication.
Identifiers: ClinVar variation 3246905 (VCV003246905.1).

ClinVar aggregate classification (germline): Uncertain significance (1 of 4 stars; one submission).

Conditions:
RFT1-congenital disorder of glycosylation (CDG1N). Also called: CDG In; RFT1-CDG; Congenital disorder of glycosylation type In. Identifiers: Orphanet 244310, MedGen C2677590, MONDO:0012783, OMIM 612015.

Submission:

Labcorp Genetics (formerly Invitae), Labcorp
Classification: Uncertain significance for RFT1-congenital disorder of glycosylation. Last evaluated: 2023-04-28. Review status: criteria provided, single submitter. Criteria: Invitae Variant Classification Sherloc (09022015). Collection method: clinical testing. Allele origin: unknown.
Comment: In summary, the available evidence is currently insufficient to determine the role of this variant in disease. Therefore, it has been classified as a Variant of Uncertain Significance. This variant has not been reported in the literature in individuals affected with RFT1-related conditions. This variant results in a copy number gain of the genomic region encompassing exon(s) 3-7 of the RFT1 gene. While the exact position of this variant cannot be determined from the data, sub-genic copy number gains are generally in tandem (PMID: 25640679). This variant is predicted to be out-of-frame, and may result in an absent or disrupted protein product. However, the current clinical and genetic evidence is not sufficient to establish whether loss-of-function variants in RFT1 cause disease.

Literature cited by the submitters: PubMed 25640679.